The following is an entry in ClinVar:

NM_000494.4(COL17A1):c.605C>A (p.Ser202Ter)

Gene: COL17A1 (collagen type XVII alpha 1 chain; minus strand). Cytogenetic location: 10q25.1.
Variant type: single nucleotide variant.
Coding change: c.605C>A on transcript NM_000494.4 (MANE Select); coding-DNA position 605, C replaced by A.
Protein change: p.Ser202Ter; replaces serine 202 with a stop codon.
Molecular consequence: nonsense.
Genome position (GRCh38, 1-based): chr10:104,070,428, G>T on the plus strand (C>A on the coding strand, the complement: COL17A1 is on the minus strand). VCF-style: chr10-104070428-G-T. GRCh37 (hg19) VCF-style: chr10-105830186-G-T.
Other names: short protein forms S202*.
Identifiers: ClinVar variation 3643622 (VCV003643622.2).
Genomic context (GRCh38, chr10:104,070,428, plus strand): 5'-GTTTGGATGGGTAAGTTTGTTTCTCACACTCCTCGGCAGCCTGGGCTGTCAGACTTACCC[G>T]ACTGGGAGCTCGCTGTCACAATTTTGGTCTCCACAGTGCCTTTCTTGGGGATGGGGAGTG-3'

ClinVar aggregate classification (germline): Pathogenic (1 of 4 stars; one submission).

gnomAD v4.1: 1 of 1,613,434 alleles (0.000062%); no homozygotes.

Submission:

Labcorp Genetics (formerly Invitae), Labcorp
Classification: Pathogenic. Last evaluated: 2024-06-11. Review status: criteria provided, single submitter. Criteria: Invitae Variant Classification Sherloc (09022015). Collection method: clinical testing. Allele origin: germline.
Comment: This sequence change creates a premature translational stop signal (p.Ser202*) in the COL17A1 gene. It is expected to result in an absent or disrupted protein product. Loss-of-function variants in COL17A1 are known to be pathogenic (PMID: 16473856, 17344927, 20301304, 21357940, 24319098). This variant is not present in population databases (gnomAD no frequency). This variant has not been reported in the literature in individuals affected with COL17A1-related conditions. For these reasons, this variant has been classified as Pathogenic.

Literature cited by the submitters: PubMed 16473856; PubMed 17344927; PubMed 20301304; PubMed 21357940; PubMed 24319098.